The following is an entry in ClinVar:

ClinVar aggregate classification (germline): Uncertain significance (1 of 4 stars; one submission).

Conditions:
Ectodermal dysplasia and immunodeficiency 2. Identifiers: Orphanet 238468, Orphanet 98813, MedGen C2677481, MONDO:0012806, OMIM 612132.

Allele frequency attached by ClinVar (database versions not stated): gnomAD 0.00003; TOPMed 0.00003; gnomAD exomes 0.00005.
gnomAD v4.1: 79 of 1,613,898 alleles (0.0049%); highest among the groups gnomAD compares: Non-Finnish European, 0.006%; no homozygotes.

Submission:

Labcorp Genetics (formerly Invitae), Labcorp
Classification: Uncertain significance for Ectodermal dysplasia and immunodeficiency 2. Last evaluated: 2023-08-24. Review status: criteria provided, single submitter. Criteria: Invitae Variant Classification Sherloc (09022015). Collection method: clinical testing. Allele origin: germline.
Comment: In summary, the available evidence is currently insufficient to determine the role of this variant in disease. Therefore, it has been classified as a Variant of Uncertain Significance. Variants that disrupt the consensus splice site are a relatively common cause of aberrant splicing (PMID: 17576681, 9536098). Algorithms developed to predict the effect of sequence changes on RNA splicing suggest that this variant is not likely to affect RNA splicing. This sequence change falls in intron 4 of the NFKBIA gene. It does not directly change the encoded amino acid sequence of the NFKBIA protein. It affects a nucleotide within the consensus splice site. This variant is present in population databases (rs754988222, gnomAD 0.008%). This variant has not been reported in the literature in individuals affected with NFKBIA-related conditions. ClinVar contains an entry for this variant (Variation ID: 2153678).

Literature cited by the submitters: PubMed 17576681; PubMed 9536098.

NM_020529.3(NFKBIA):c.636+4G>A

Gene: NFKBIA (NFKB inhibitor alpha; minus strand). Cytogenetic location: 14q13.2.
Variant type: single nucleotide variant.
Coding change: c.636+4G>A on transcript NM_020529.3 (MANE Select); 4 bases into the intron after coding-DNA position 636, G replaced by A.
Molecular consequence: intron variant.
Genome position (GRCh38, 1-based): chr14:35,402,767, C>T on the plus strand (G>A on the coding strand, the complement: NFKBIA is on the minus strand). VCF-style: chr14-35402767-C-T. GRCh37 (hg19) VCF-style: chr14-35871973-C-T.
Identifiers: ClinVar variation 2153678 (VCV002153678.4), dbSNP rs754988222, ClinGen allele CA258861213.
Genomic context (GRCh38, chr14:35,402,767, plus strand): 5'-ATTTCTGCTCACAACATAAGCACGAGGAGCCTGACTCAGTGCGTCGGGGGCAGGAAGCAC[C>T]AACCTGAGCATTGACATCAGCACCCAAGGACACCAAAAGCTCCACGATGCCCAGGTAGCC-3'